The following is an entry in ClinVar:

ClinVar aggregate classification (germline): Uncertain significance (1 of 4 stars; one submission).

Allele frequency attached by ClinVar (database versions not stated): gnomAD exomes below 0.00001; TOPMed below 0.00001.
gnomAD v4.1: 3 of 1,553,202 alleles (0.00019%); highest among the groups gnomAD compares: Non-Finnish European, 0.00026%; no homozygotes.

Submission:

Labcorp Genetics (formerly Invitae), Labcorp
Classification: Uncertain significance. Last evaluated: 2023-02-22. Review status: criteria provided, single submitter. Criteria: Invitae Variant Classification Sherloc (09022015). Collection method: clinical testing. Allele origin: germline.
Comment: This sequence change replaces serine, which is neutral and polar, with leucine, which is neutral and non-polar, at codon 275 of the ANLN protein (p.Ser275Leu). This variant is not present in population databases (gnomAD no frequency). In summary, the available evidence is currently insufficient to determine the role of this variant in disease. Therefore, it has been classified as a Variant of Uncertain Significance. Advanced modeling of protein sequence and biophysical properties (such as structural, functional, and spatial information, amino acid conservation, physicochemical variation, residue mobility, and thermodynamic stability) performed at Invitae indicates that this missense variant is not expected to disrupt ANLN protein function. This variant has not been reported in the literature in individuals affected with ANLN-related conditions.

NM_018685.5(ANLN):c.824C>T (p.Ser275Leu)

Gene: ANLN (anillin, actin binding protein; plus strand). Cytogenetic location: 7p14.2.
Variant type: single nucleotide variant.
Coding change: c.824C>T on transcript NM_018685.5 (MANE Select); coding-DNA position 824, C replaced by T.
Protein change: p.Ser275Leu; replaces serine 275 with leucine.
Molecular consequence: missense variant.
Genome position (GRCh38, 1-based): chr7:36,406,517, C>T. VCF-style: chr7-36406517-C-T. GRCh37 (hg19) VCF-style: chr7-36446126-C-T.
Other names: c.824C>T, p.Ser275Leu (NM_001284301.3, NM_001284302.3); short protein forms S275L.
Identifiers: ClinVar variation 2839714 (VCV002839714.3), dbSNP rs1787196855, ClinGen allele CA367207602.